The following is an entry in ClinVar:

NM_033118.4(MYLK2):c.162_163insT (p.Lys55Ter)

Gene: MYLK2 (myosin light chain kinase 2; plus strand). Cytogenetic location: 20q11.21.
Variant type: Insertion.
Coding change: c.162_163insT on transcript NM_033118.4 (MANE Select); coding-DNA positions 162 to 163, T inserted.
Protein change: p.Lys55Ter; replaces lysine 55 with a stop codon.
Molecular consequence: nonsense.
Genome position: GRCh38 VCF-style: chr20-31820235-C-CT. GRCh37 (hg19) VCF-style: chr20-30408038-C-CT.
Other names: short protein forms K55*.
Identifiers: ClinVar variation 2760981 (VCV002760981.3), dbSNP rs2515451065, ClinGen allele CA2697547341.
Genomic context (GRCh38, chr20:31,820,235, plus strand): 5'-AGACCCTGGCCCCCCAGACCCAAAGAAAGCTCCGGATCCACCCACCCTGAAGAAAGATGC[C>CT]AAAGCCCCTGCCTCAGAGAAAGGGGATGGTACCCTGGCCCAACCCTCAACTAGCAGCCAA-3'

ClinVar aggregate classification (germline): Uncertain significance (1 of 4 stars; one submission).

Conditions:
Hypertrophic cardiomyopathy 1 (CMH1). Also called: Familial hypertrophic cardiomyopathy 1; MYH7-Related Familial Hypertrophic Cardiomyopathy. Identifiers: MedGen C3495498, MONDO:0008647, OMIM 192600.

Submission:

Labcorp Genetics (formerly Invitae), Labcorp
Classification: Uncertain significance for Hypertrophic cardiomyopathy 1. Last evaluated: 2024-10-21. Review status: criteria provided, single submitter. Criteria: Invitae Variant Classification Sherloc (09022015). Collection method: clinical testing. Allele origin: germline.
Comment: This sequence change creates a premature translational stop signal (p.Lys55*) in the MYLK2 gene. It is expected to result in an absent or disrupted protein product. However, the current clinical and genetic evidence is not sufficient to establish whether loss-of-function variants in MYLK2 cause disease. This variant is not present in population databases (gnomAD no frequency). This variant has not been reported in the literature in individuals affected with MYLK2-related conditions. In summary, the available evidence is currently insufficient to determine the role of this variant in disease. Therefore, it has been classified as a Variant of Uncertain Significance.